The following is an entry in ClinVar:

ClinVar aggregate classification (germline): Uncertain significance (1 of 4 stars; one submission).

gnomAD v4.1: 1 of 1,614,194 alleles (0.000062%); highest among the groups gnomAD compares: Non-Finnish European, 0.000085%; no homozygotes.

Submission:

Ambry Genetics
Classification: Uncertain significance. Last evaluated: 2022-10-28. Review status: criteria provided, single submitter. Criteria: Ambry Variant Classification Scheme 2023. Collection method: clinical testing. Allele origin: germline.
Comment: The p.S347C variant (also known as c.1040C>G), located in coding exon 3 of the TERF2IP gene, results from a C to G substitution at nucleotide position 1040. The serine at codon 347 is replaced by cysteine, an amino acid with dissimilar properties. This amino acid position is conserved. In addition, this alteration is predicted to be tolerated by in silico analysis. Since supporting evidence is limited at this time, the clinical significance of this alteration remains unclear.

NM_018975.4(TERF2IP):c.1040C>G (p.Ser347Cys)

Gene: TERF2IP (TERF2 interacting protein; plus strand). Cytogenetic location: 16q23.1.
Variant type: single nucleotide variant.
Coding change: c.1040C>G on transcript NM_018975.4 (MANE Select); coding-DNA position 1040, C replaced by G.
Protein change: p.Ser347Cys; replaces serine 347 with cysteine.
Molecular consequence: missense variant. On other transcripts: non-coding transcript variant (1).
Genome position (GRCh38, 1-based): chr16:75,656,451, C>G. VCF-style: chr16-75656451-C-G. GRCh37 (hg19) VCF-style: chr16-75690349-C-G.
Other names: short protein forms S347C.
Identifiers: ClinVar variation 1773947 (VCV001773947.2), dbSNP rs1291609019, ClinGen allele CA396820139.